The following is an entry in ClinVar:

NM_015102.5(NPHP4):c.3521G>A (p.Cys1174Tyr)

Gene: NPHP4 (nephrocystin 4; minus strand). Cytogenetic location: 1p36.31.
Variant type: single nucleotide variant.
Coding change: c.3521G>A on transcript NM_015102.5 (MANE Select); coding-DNA position 3521, G replaced by A.
Protein change: p.Cys1174Tyr; replaces cysteine 1174 with tyrosine.
Molecular consequence: missense variant. On other transcripts: non-coding transcript variant (1).
Genome position (GRCh38, 1-based): chr1:5,867,067, C>T on the plus strand (G>A on the coding strand, the complement: NPHP4 is on the minus strand). VCF-style: chr1-5867067-C-T. GRCh37 (hg19) VCF-style: chr1-5927127-C-T.
Other names: c.1982G>A, p.Cys661Tyr (NM_001291593.2); c.1985G>A, p.Cys662Tyr (NM_001291594.2); short protein forms C1174Y, C662Y, C661Y.
Identifiers: ClinVar variation 1036195 (VCV001036195.8), dbSNP rs1641309754, ClinGen allele CA338051188.

ClinVar aggregate classification (germline): Uncertain significance (1 of 4 stars; one submission).

Conditions:
Nephronophthisis. Also called: Juvenile Nephronophthisis. Identifiers: Orphanet 655, MedGen C0687120, MONDO:0019005, HP:0000090.

gnomAD v4.1: 3 of 1,613,214 alleles (0.00019%); highest among the groups gnomAD compares: African/African-American, 0.0013%; no homozygotes.

Submission:

Labcorp Genetics (formerly Invitae), Labcorp
Classification: Uncertain significance for Nephronophthisis. Last evaluated: 2020-03-25. Review status: criteria provided, single submitter. Criteria: Invitae Variant Classification Sherloc (09022015). Collection method: clinical testing. Allele origin: germline.
Comment: Algorithms developed to predict the effect of missense changes on protein structure and function are either unavailable or do not agree on the potential impact of this missense change (SIFT: "Deleterious"; PolyPhen-2: "Probably Damaging"; Align-GVGD: "Class C0"). In summary, the available evidence is currently insufficient to determine the role of this variant in disease. Therefore, it has been classified as a Variant of Uncertain Significance. This variant has not been reported in the literature in individuals with NPHP4-related conditions. This variant is not present in population databases (ExAC no frequency). This sequence change replaces cysteine with tyrosine at codon 1174 of the NPHP4 protein (p.Cys1174Tyr). The cysteine residue is highly conserved and there is a large physicochemical difference between cysteine and tyrosine.